The following is an entry in ClinVar:

ClinVar aggregate classification (germline): Uncertain significance (1 of 4 stars; one submission).

Conditions:
Gorlin syndrome. Also called: Basal cell nevus syndrome; Nevoid Basal Cell Carcinoma Syndrome. Identifiers: Orphanet 377, MedGen C0004779, MONDO:0007187.

Submission:

Labcorp Genetics (formerly Invitae), Labcorp
Classification: Uncertain significance for Gorlin syndrome. Last evaluated: 2023-11-13. Review status: criteria provided, single submitter. Criteria: Invitae Variant Classification Sherloc (09022015). Collection method: clinical testing. Allele origin: germline.
Comment: This sequence change replaces glutamine, which is neutral and polar, with glutamic acid, which is acidic and polar, at codon 84 of the PTCH1 protein (p.Gln84Glu). This variant is not present in population databases (gnomAD no frequency). This variant has not been reported in the literature in individuals affected with PTCH1-related conditions. Advanced modeling of protein sequence and biophysical properties (such as structural, functional, and spatial information, amino acid conservation, physicochemical variation, residue mobility, and thermodynamic stability) performed at Invitae indicates that this missense variant is not expected to disrupt PTCH1 protein function with a negative predictive value of 95%. In summary, the available evidence is currently insufficient to determine the role of this variant in disease. Therefore, it has been classified as a Variant of Uncertain Significance.

NM_000264.5(PTCH1):c.250C>G (p.Gln84Glu)

Gene: PTCH1 (patched 1; minus strand). Cytogenetic location: 9q22.32.
Variant type: single nucleotide variant.
Coding change: c.250C>G on transcript NM_000264.5 (MANE Select); coding-DNA position 250, C replaced by G.
Protein change: p.Gln84Glu; replaces glutamine 84 with glutamic acid.
Molecular consequence: missense variant. On other transcripts: 5 prime UTR variant (4), non-coding transcript variant (1).
Genome position (GRCh38, 1-based): chr9:95,506,551, G>C on the plus strand (C>G on the coding strand, the complement: PTCH1 is on the minus strand). VCF-style: chr9-95506551-G-C. GRCh37 (hg19) VCF-style: chr9-98268833-G-C.
Other names: c.52C>G, p.Gln18Glu (NM_001083602.3, NM_001354919.2); c.247C>G, p.Gln83Glu (NM_001083603.3); c.-204C>G (NM_001083604.3, NM_001083605.3, NM_001083606.3 and 1 more transcripts); c.250C>G, p.Gln84Glu (NM_001354918.2); short protein forms Q84E, Q18E, Q83E.
Identifiers: ClinVar variation 2913673 (VCV002913673.3), dbSNP rs2118880072, ClinGen allele CA374120538.